The following is an entry in ClinVar:

ClinVar aggregate classification (germline): Uncertain significance (1 of 4 stars; one submission).

Submission:

Labcorp Genetics (formerly Invitae), Labcorp
Classification: Uncertain significance. Last evaluated: 2025-04-01. Review status: criteria provided, single submitter. Criteria: Invitae Variant Classification Sherloc (09022015). Collection method: clinical testing. Allele origin: germline.
Comment: This sequence change replaces proline, which is neutral and non-polar, with histidine, which is basic and polar, at codon 174 of the IGF1R protein (p.Pro174His). This variant is not present in population databases (gnomAD no frequency). This variant has not been reported in the literature in individuals affected with IGF1R-related conditions. Invitae Evidence Modeling of protein sequence and biophysical properties (such as structural, functional, and spatial information, amino acid conservation, physicochemical variation, residue mobility, and thermodynamic stability) indicates that this missense variant is not expected to disrupt IGF1R protein function with a negative predictive value of 80%. In summary, the available evidence is currently insufficient to determine the role of this variant in disease. Therefore, it has been classified as a Variant of Uncertain Significance.

NM_000875.5(IGF1R):c.521C>A (p.Pro174His)

Gene: IGF1R (insulin like growth factor 1 receptor; plus strand). Cytogenetic location: 15q26.3.
Variant type: single nucleotide variant.
Coding change: c.521C>A on transcript NM_000875.5 (MANE Select); coding-DNA position 521, C replaced by A.
Protein change: p.Pro174His; replaces proline 174 with histidine.
Molecular consequence: missense variant.
Genome position (GRCh38, 1-based): chr15:98,707,988, C>A. VCF-style: chr15-98707988-C-A. GRCh37 (hg19) VCF-style: chr15-99251217-C-A.
Other names: c.521C>A, p.Pro174His (NM_001291858.2); short protein forms P174H.
Identifiers: ClinVar variation 4777591 (VCV004777591.1).
Genomic context (GRCh38, chr15:98,707,988, plus strand): 5'-CTGTGGACTGGTCCCTGATCCTGGATGCGGTGTCCAATAACTACATTGTGGGGAATAAGC[C>A]CCCAAAGGAATGTGGGGACCTGTGTCCAGGGACCATGGAGGAGAAGCCGATGTGTGAGAA-3'
Protein context (NP_000866.1, residues 164-184): VSNNYIVGNK[Pro174His]PKECGDLCPG